The following is an entry in ClinVar:

ClinVar aggregate classification (germline): Uncertain significance (1 of 4 stars; one submission).

Conditions:
Hereditary cancer-predisposing syndrome. Also called: Tumor predisposition; Neoplastic Syndromes, Hereditary; Hereditary neoplastic syndrome; Hereditary Cancer Syndrome. Identifiers: Orphanet 140162, MedGen C0027672, MeSH D009386, MONDO:0015356.

gnomAD v4.1: 1 of 1,614,128 alleles (0.000062%); highest among the groups gnomAD compares: East Asian, 0.0022%; no homozygotes.

Submission:

Ambry Genetics
Classification: Uncertain significance for Hereditary cancer-predisposing syndrome. Last evaluated: 2025-08-27. Review status: criteria provided, single submitter. Criteria: Ambry Variant Classification Scheme 2023. Collection method: clinical testing. Allele origin: germline.
Comment: The p.W409S variant (also known as c.1226G>C), located in coding exon 13 of the MUTYH gene, results from a G to C substitution at nucleotide position 1226. The tryptophan at codon 409 is replaced by serine, an amino acid with highly dissimilar properties. This amino acid position is conserved. In addition, this alteration is predicted to be tolerated by in silico analysis. Based on the available evidence, the clinical significance of this variant remains unclear.

NM_001048174.2(MUTYH):c.1142G>C (p.Trp381Ser)

Gene: MUTYH (mutY DNA glycosylase; minus strand). Cytogenetic location: 1p34.1.
Variant type: single nucleotide variant.
Coding change: c.1142G>C on transcript NM_001048174.2 (MANE Select); coding-DNA position 1142, G replaced by C.
Protein change: p.Trp381Ser; replaces tryptophan 381 with serine.
Molecular consequence: missense variant. On other transcripts: non-coding transcript variant (7).
Genome position (GRCh38, 1-based): chr1:45,331,517, C>G on the plus strand (G>C on the coding strand, the complement: MUTYH is on the minus strand). VCF-style: chr1-45331517-C-G. GRCh37 (hg19) VCF-style: chr1-45797189-C-G.
Other names: c.1187G>C, p.Trp396Ser (NM_001293190.2); c.1175G>C, p.Trp392Ser (NM_001293191.2, NM_001407069.1, NM_001407077.1); c.866G>C, p.Trp289Ser (NM_001293192.2, NM_001293196.2, NM_001407091.1); c.1142G>C, p.Trp381Ser (NM_001293195.2, NM_001407070.1, NM_001407088.1 and 6 more transcripts); c.797G>C, p.Trp266Ser (NM_001350650.2, NM_001350651.2, NM_001407082.1); c.1184G>C, p.Trp395Ser (NM_001407083.1, NM_001407085.1); c.1145G>C, p.Trp382Ser (NM_001407086.1, NM_001048172.2, NM_001407071.1 and 1 more transcripts); c.1163G>C, p.Trp388Ser (NM_001407087.1); and 5 more; short protein forms W353S, W392S, W396S, W406S, W367S, W395S, W266S, W368S.
Identifiers: ClinVar variation 4113096 (VCV004113096.1).